The following is an entry in ClinVar:

NM_001348323.3(TRIP12):c.1160G>A (p.Arg387Lys)

Gene: TRIP12 (thyroid hormone receptor interactor 12; minus strand). Cytogenetic location: 2q36.3.
Variant type: single nucleotide variant.
Coding change: c.1160G>A on transcript NM_001348323.3 (MANE Select); coding-DNA position 1160, G replaced by A.
Protein change: p.Arg387Lys; replaces arginine 387 with lysine.
Molecular consequence: missense variant.
Genome position (GRCh38, 1-based): chr2:229,836,958, C>T on the plus strand (G>A on the coding strand, the complement: TRIP12 is on the minus strand). VCF-style: chr2-229836958-C-T. GRCh37 (hg19) VCF-style: chr2-230701674-C-T.
Other names: c.1160G>A, p.Arg387Lys (NM_001284214.2, NM_001348315.2, NM_001348319.1 and 13 more transcripts); c.1034G>A, p.Arg345Lys (NM_001284215.2, NM_001348316.2, NM_001348317.1 and 3 more transcripts); c.125G>A, p.Arg42Lys (NM_001284216.2); c.1073G>A, p.Arg358Lys (NM_001348332.1, NM_001348334.1); short protein forms R345K, R358K, R387K, R42K.
Identifiers: ClinVar variation 1299591 (VCV001299591.1), dbSNP rs2054983988, ClinGen allele CA350884959.
Genomic context (GRCh38, chr2:229,836,958, plus strand): 5'-GCCTCCTGGTTGCTTTCAGGGTCTGCCATTTTCTCCTGTCGACGAGCTTCAGCTGCTCCT[C>T]TTTTGCCCAGGCCAGAGCCTCGCCGACTACAACAGAAAAATGTCATCATGGGCAGCATTA-3'
Protein context (NP_001335252.1, residues 377-397): TSRRGSGLGK[Arg387Lys]GAAEARRQEK

ClinVar aggregate classification (germline): Uncertain significance (1 of 4 stars; one submission).

Conditions:
Clark-Baraitser syndrome. Also called: BARAITSER SYNDROME; Mental retardation, tall stature, obesity, macrocephaly and typical facial features; Intellectual disability, autosomal dominant 49; MENTAL RETARDATION, AUTOSOMAL DOMINANT 49. Identifiers: Orphanet 600731, MedGen C2931130, MONDO:0030914, OMIM 617752.

Submission:

Laboratory of Medical Genetics, National & Kapodistrian University of Athens
Classification: Uncertain significance for Clark-Baraitser syndrome. Last evaluated: 2021-10-06. Review status: criteria provided, single submitter. Criteria: ACMG Guidelines, 2015. Collection method: clinical testing. Allele origin: paternal. Affected: yes.
Comment: PP2, PM2, PP3